The following is an entry in ClinVar:

ClinVar aggregate classification (germline): Conflicting classifications of pathogenicity. Review status: criteria provided, conflicting classifications (1 of 4 stars). 4 submissions from 4 submitters: Uncertain significance (1); Benign (1); Likely benign (2). Last evaluated 2026-02-01.

Conditions:
Bethlem myopathy 2 (BTHLM2). Identifiers: Orphanet 536516, Orphanet 610, MedGen C4225313, MONDO:0034022, OMIM 616471.
Ullrich congenital muscular dystrophy 2 (UCMD2). Identifiers: Orphanet 75840, MedGen C4225314, MONDO:0014654, OMIM 616470.

Allele frequency attached by ClinVar (database versions not stated): gnomAD 0.00005; TOPMed 0.00007; ExAC 0.00002; ESP Exome Variant Server 0.00008; gnomAD exomes 0.00017 and 0.00005.
gnomAD v4.1: 247 of 1,613,992 alleles (0.015%); highest among the groups gnomAD compares: Non-Finnish European, 0.02%; no homozygotes.

Submissions (4):

Labcorp Genetics (formerly Invitae), Labcorp
Classification: Benign for Bethlem myopathy 2; Ullrich congenital muscular dystrophy 2. Last evaluated: 2026-02-01. Review status: criteria provided, single submitter. Criteria: Invitae Variant Classification Sherloc (09022015). Collection method: clinical testing. Allele origin: germline.

Women's Health and Genetics/Laboratory Corporation of America, LabCorp
Classification: Likely benign. Last evaluated: 2025-10-28. Review status: criteria provided, single submitter. Criteria: LabCorp Variant Classification Summary - May 2015. Collection method: clinical testing. Allele origin: germline.

Mayo Clinic Laboratories, Mayo Clinic
Classification: Likely benign. Last evaluated: 2025-09-16. Review status: criteria provided, single submitter. Criteria: ACMG Guidelines, 2015. Collection method: clinical testing. Allele origin: germline. Observed: 1 variant allele.
Comment: BP4, BP7

Fulgent Genetics
Classification: Uncertain significance for Ullrich congenital muscular dystrophy 2; Bethlem myopathy 2. Last evaluated: 2021-12-09. Review status: criteria provided, single submitter. Criteria: ACMG Guidelines, 2015. Collection method: clinical testing. Allele origin: unknown.

NM_004370.6(COL12A1):c.8886G>T (p.Gly2962=)

Gene: COL12A1 (collagen type XII alpha 1 chain; minus strand). Cytogenetic location: 6q13.
Variant type: single nucleotide variant.
Coding change: c.8886G>T on transcript NM_004370.6 (MANE Select); coding-DNA position 8886, G replaced by T.
Protein change: p.Gly2962=; no amino-acid change (glycine 2962 retained).
Molecular consequence: synonymous variant.
Genome position (GRCh38, 1-based): chr6:75,090,165, C>A on the plus strand (G>T on the coding strand, the complement: COL12A1 is on the minus strand). VCF-style: chr6-75090165-C-A. GRCh37 (hg19) VCF-style: chr6-75799881-C-A.
Other names: p.Gly2962=; c.5394G>T, p.Gly1798= (NM_080645.3).
Identifiers: ClinVar variation 639126 (VCV000639126.12), dbSNP rs373455368, ClinGen allele CA3892090.